The following is an entry in ClinVar:

NM_198253.3(TERT):c.2323C>T (p.Gln775Ter)

Gene: TERT (telomerase reverse transcriptase; minus strand). Cytogenetic location: 5p15.33.
Variant type: single nucleotide variant.
Coding change: c.2323C>T on transcript NM_198253.3 (MANE Select); coding-DNA position 2323, C replaced by T.
Protein change: p.Gln775Ter; replaces glutamine 775 with a stop codon.
Molecular consequence: nonsense.
Genome position (GRCh38, 1-based): chr5:1,272,244, G>A on the plus strand (C>T on the coding strand, the complement: TERT is on the minus strand). VCF-style: chr5-1272244-G-A. GRCh37 (hg19) VCF-style: chr5-1272359-G-A.
Other names: c.2323C>T, p.Gln775Ter (NM_001193376.3, NM_003219.1); short protein forms Q775*.
Identifiers: ClinVar variation 2047813 (VCV002047813.6), dbSNP rs2478210028, ClinGen allele CA359076394.
Genomic context (GRCh38, chr5:1,272,244, plus strand): 5'-CCTGCTCGATGACGACGGCATCCCTCAGCGGGCTGGTCTCCTGCAGGTGAGCCACGAACT[G>A]TCGCATGTACGGCTGGAGGTCTGTCAAGGTAGAGACCTGCCGGCAGAGGAGAGGGCATGA-3'

ClinVar aggregate classification (germline): Pathogenic. Review status: criteria provided, multiple submitters, no conflicts (2 of 4 stars). 2 submissions from 2 submitters: Pathogenic (2). Last evaluated 2022-02-08.

Conditions:
Dyskeratosis congenita, autosomal dominant 2. Identifiers: MedGen C3151443, MONDO:0013521, OMIM 613989.
Idiopathic Pulmonary Fibrosis. Also called: Idiopathic fibrosing alveolitis, chronic form; idiopathic fibrosing alveolitis. Identifiers: Orphanet 2032, MedGen C1800706, MeSH D054990, MONDO:0800504.

Submissions (2):

Labcorp Genetics (formerly Invitae), Labcorp
Classification: Pathogenic for Dyskeratosis congenita, autosomal dominant 2; Idiopathic Pulmonary Fibrosis. Last evaluated: 2022-02-08. Review status: criteria provided, single submitter. Criteria: Invitae Variant Classification Sherloc (09022015). Collection method: clinical testing. Allele origin: germline.
Comment: For these reasons, this variant has been classified as Pathogenic. This variant has not been reported in the literature in individuals affected with TERT-related conditions. This variant is not present in population databases (gnomAD no frequency). This sequence change creates a premature translational stop signal (p.Gln775*) in the TERT gene. It is expected to result in an absent or disrupted protein product. Loss-of-function variants in TERT are known to be pathogenic (PMID: 16247010, 17460043).

Dept. of Cytogenetics, ICMR- National Institute of Immunohaematology
Classification: Pathogenic for Dyskeratosis congenita, autosomal dominant 2. Review status: criteria provided, single submitter. Criteria: ACMG Guidelines, 2015. Collection method: clinical testing. Allele origin: inherited. Affected: yes. Observed: 1 variant allele.

Literature cited by the submitters: PubMed 16247010 (cited by Labcorp Genetics (formerly Invitae), Labcorp); PubMed 17460043 (cited by Labcorp Genetics (formerly Invitae), Labcorp).